The following is an entry in ClinVar:

ClinVar aggregate classification (germline): Uncertain significance (1 of 4 stars; one submission).

Conditions:
Spastic paraplegia. Identifiers: MedGen C0037772, HP:0001258.

Submission:

Labcorp Genetics (formerly Invitae), Labcorp
Classification: Uncertain significance for Spastic paraplegia. Last evaluated: 2022-07-18. Review status: criteria provided, single submitter. Criteria: Invitae Variant Classification Sherloc (09022015). Collection method: clinical testing. Allele origin: germline.
Comment: Advanced modeling of protein sequence and biophysical properties (such as structural, functional, and spatial information, amino acid conservation, physicochemical variation, residue mobility, and thermodynamic stability) performed at Invitae indicates that this missense variant is expected to disrupt KDM5C protein function. This sequence change replaces proline, which is neutral and non-polar, with leucine, which is neutral and non-polar, at codon 15 of the KDM5C protein (p.Pro15Leu). This variant is not present in population databases (gnomAD no frequency). This variant has not been reported in the literature in individuals affected with KDM5C-related conditions. In summary, the available evidence is currently insufficient to determine the role of this variant in disease. Therefore, it has been classified as a Variant of Uncertain Significance.

NM_004187.5(KDM5C):c.44C>T (p.Pro15Leu)

Genes: KDM5C (lysine demethylase 5C; minus strand), LOC130068308 (ATAC-STARR-seq lymphoblastoid active region 29656; plus strand). Cytogenetic location: Xp11.22.
Variant type: single nucleotide variant.
Coding change: c.44C>T on transcript NM_004187.5 (MANE Select); coding-DNA position 44, C replaced by T.
Protein change: p.Pro15Leu; replaces proline 15 with leucine.
Molecular consequence: missense variant. On other transcripts: non-coding transcript variant (3).
Genome position (GRCh38, 1-based): chrX:53,224,846, G>A on the plus strand (C>T on the coding strand, the complement: KDM5C is on the minus strand). VCF-style: chrX-53224846-G-A. GRCh37 (hg19) VCF-style: chrX-53254028-G-A.
Other names: c.44C>T, p.Pro15Leu (NM_001146702.2, NM_001282622.3, NM_001353978.3 and 4 more transcripts); short protein forms P15L.
Identifiers: ClinVar variation 2048103 (VCV002048103.4), dbSNP rs2519629302, ClinGen allele CA413134355.